The following is an entry in ClinVar:

ClinVar aggregate classification (germline): Uncertain significance (1 of 4 stars; one submission).

Conditions:
CC2D2A-related disorder. Also called: CC2D2A-related disorders; CC2D2A-related condition. Identifiers: MedGen CN239313.

Allele frequency attached by ClinVar (database versions not stated): gnomAD 0.00001; TOPMed 0.00001.
gnomAD v4.1: 2 of 1,613,414 alleles (0.00012%); highest among the groups gnomAD compares: Non-Finnish European, 0.00017%; no homozygotes.

Submission:

PreventionGenetics, part of Exact Sciences
Classification: Uncertain significance for CC2D2A-related condition. Last evaluated: 2022-10-17. Review status: criteria provided, single submitter. Criteria: ACMG Guidelines, 2015. Collection method: clinical testing. Allele origin: germline.
Comment: The CC2D2A c.3958A>G variant is predicted to result in the amino acid substitution p.Asn1320Asp. To our knowledge, this variant has not been reported in the literature or in a large population database, indicating this variant is rare. At this time, the clinical significance of this variant is uncertain due to the absence of conclusive functional and genetic evidence.

NM_001378615.1(CC2D2A):c.3958A>G (p.Asn1320Asp)

Genes: CC2D2A (coiled-coil and C2 domain containing 2A; plus strand), FBXL5 (F-box and leucine rich repeat protein 5; minus strand). Cytogenetic location: 4p15.32.
Variant type: single nucleotide variant.
Coding change: c.3958A>G on transcript NM_001378615.1 (MANE Select); coding-DNA position 3958, A replaced by G.
Protein change: p.Asn1320Asp; replaces asparagine 1320 with aspartic acid.
Molecular consequence: missense variant.
Genome position (GRCh38, 1-based): chr4:15,580,154, A>G. VCF-style: chr4-15580154-A-G. GRCh37 (hg19) VCF-style: chr4-15581777-A-G.
Other names: c.3958A>G, p.Asn1320Asp (NM_001080522.2); c.3811A>G, p.Asn1271Asp (NM_001378617.1); short protein forms N1271D, N1320D.
Identifiers: ClinVar variation 2637079 (VCV002637079.1), dbSNP rs1321298550, ClinGen allele CA356426706.